The following is an entry in ClinVar:

NM_004104.5(FASN):c.5719C>T (p.Arg1907Cys)

Gene: FASN (fatty acid synthase; minus strand). Cytogenetic location: 17q25.3.
Variant type: single nucleotide variant.
Coding change: c.5719C>T on transcript NM_004104.5 (MANE Select); coding-DNA position 5719, C replaced by T.
Protein change: p.Arg1907Cys; replaces arginine 1907 with cysteine.
Molecular consequence: missense variant.
Genome position (GRCh38, 1-based): chr17:82,082,962, G>A on the plus strand (C>T on the coding strand, the complement: FASN is on the minus strand). VCF-style: chr17-82082962-G-A. GRCh37 (hg19) VCF-style: chr17-80040838-G-A.
Other names: c.5719C>T (NM_004104.4); short protein forms R1907C.
Identifiers: ClinVar variation 1353088 (VCV001353088.9), dbSNP rs868672061, ClinGen allele CA295126761.

ClinVar aggregate classification (germline): Uncertain significance. Review status: criteria provided, multiple submitters, no conflicts (2 of 4 stars). 2 submissions from 2 submitters: Uncertain significance (2). Last evaluated 2026-01-27.

Conditions:
Epileptic encephalopathy. Identifiers: MedGen C0543888, HP:0200134.

Allele frequency attached by ClinVar (database versions not stated): gnomAD exomes below 0.00001 and 0.00001; gnomAD 0.00001; TOPMed 0.00003.
gnomAD v4.1: 10 of 1,612,674 alleles (0.00062%); highest among the groups gnomAD compares: African/African-American, 0.0053%; no homozygotes.

Submissions (2):

Labcorp Genetics (formerly Invitae), Labcorp
Classification: Uncertain significance for Epileptic encephalopathy. Last evaluated: 2026-01-27. Review status: criteria provided, single submitter. Criteria: Invitae Variant Classification Sherloc (09022015). Collection method: clinical testing. Allele origin: germline.
Comment: This sequence change replaces arginine, which is basic and polar, with cysteine, which is neutral and slightly polar, at codon 1907 of the FASN protein (p.Arg1907Cys). This variant is present in population databases (no rsID available, gnomAD 0.0009%). This variant has not been reported in the literature in individuals affected with FASN-related conditions. ClinVar contains an entry for this variant (Variation ID: 1353088). An algorithm developed to predict the effect of missense changes on protein structure and function (PolyPhen-2) suggests that this variant is likely to be disruptive. In summary, the available evidence is currently insufficient to determine the role of this variant in disease. Therefore, it has been classified as a Variant of Uncertain Significance.

Ambry Genetics
Classification: Uncertain significance. Last evaluated: 2025-02-12. Review status: criteria provided, single submitter. Criteria: Ambry Variant Classification Scheme 2023. Collection method: clinical testing. Allele origin: germline.